The following is an entry in ClinVar:

NM_000503.6(EYA1):c.1445C>T (p.Ala482Val)

Gene: EYA1 (EYA transcriptional coactivator and phosphatase 1; minus strand). Cytogenetic location: 8q13.3.
Variant type: single nucleotide variant.
Coding change: c.1445C>T on transcript NM_000503.6 (MANE Select); coding-DNA position 1445, C replaced by T.
Protein change: p.Ala482Val; replaces alanine 482 with valine.
Molecular consequence: missense variant.
Genome position (GRCh38, 1-based): chr8:71,215,644, G>A on the plus strand (C>T on the coding strand, the complement: EYA1 is on the minus strand). VCF-style: chr8-71215644-G-A. GRCh37 (hg19) VCF-style: chr8-72127879-G-A.
Other names: c.1445C>T (NM_000503.4); c.1427C>T, p.Ala476Val (NM_001288574.2, NM_172059.5); c.1079C>T, p.Ala360Val (NM_001288575.2); c.1532C>T, p.Ala511Val (NM_001370333.1); c.1445C>T, p.Ala482Val (NM_001370334.1, NM_001370335.1, NM_172058.4); c.1424C>T, p.Ala475Val (NM_001370336.1); c.1346C>T, p.Ala449Val (NM_001411797.1, NM_172060.4); short protein forms A476V, A360V, A482V, A449V, A475V, A511V.
Identifiers: ClinVar variation 2920030 (VCV002920030.5), dbSNP rs1809095679, ClinGen allele CA371466377.

ClinVar aggregate classification (germline): Uncertain significance. Review status: criteria provided, multiple submitters, no conflicts (2 of 4 stars). 3 submissions from 3 submitters: Uncertain significance (3). Last evaluated 2024-10-23.

Conditions:
Melnick-Fraser syndrome (BOR). Also called: Branchiootorenal Syndrome (BORS); Branchiootorenal syndrome; Branchio-oto-renal syndrome. Identifiers: Orphanet 107, MedGen C0265234, MONDO:0007029.
Inborn genetic diseases. Identifiers: MedGen C0950123, MeSH D030342.

Allele frequency attached by ClinVar (database versions not stated): gnomAD 0.00001; TOPMed 0.00004.
gnomAD v4.1: 2 of 1,613,974 alleles (0.00012%); highest among the groups gnomAD compares: Admixed American, 0.0017%; no homozygotes.

Submissions (3):

GeneDx
Classification: Uncertain significance. Last evaluated: 2024-10-23. Review status: criteria provided, single submitter. Criteria: GeneDx Variant Classification Process June 2021. Collection method: clinical testing. Allele origin: germline. Affected: yes.
Comment: Not observed at significant frequency in large population cohorts (gnomAD); In silico analysis supports that this missense variant has a deleterious effect on protein structure/function; Has not been previously published as pathogenic or benign to our knowledge

Ambry Genetics
Classification: Uncertain significance for Inborn genetic diseases. Last evaluated: 2024-03-15. Review status: criteria provided, single submitter. Criteria: Ambry Variant Classification Scheme 2023. Collection method: clinical testing. Allele origin: germline.

Labcorp Genetics (formerly Invitae), Labcorp
Classification: Uncertain significance for Melnick-Fraser syndrome. Last evaluated: 2023-12-31. Review status: criteria provided, single submitter. Criteria: Invitae Variant Classification Sherloc (09022015). Collection method: clinical testing. Allele origin: germline.
Comment: This sequence change replaces alanine, which is neutral and non-polar, with valine, which is neutral and non-polar, at codon 482 of the EYA1 protein (p.Ala482Val). This variant is not present in population databases (gnomAD no frequency). This variant has not been reported in the literature in individuals affected with EYA1-related conditions. Advanced modeling of protein sequence and biophysical properties (such as structural, functional, and spatial information, amino acid conservation, physicochemical variation, residue mobility, and thermodynamic stability) has been performed at Invitae for this missense variant, however the output from this modeling did not meet the statistical confidence thresholds required to predict the impact of this variant on EYA1 protein function. In summary, the available evidence is currently insufficient to determine the role of this variant in disease. Therefore, it has been classified as a Variant of Uncertain Significance.